The following is an entry in ClinVar:

ClinVar aggregate classification (germline): Likely benign (1 of 4 stars; one submission).

Allele frequency attached by ClinVar (database versions not stated): gnomAD 0.00220.
gnomAD v4.1: 95 of 43,106 alleles (0.22%); highest among the groups gnomAD compares: Non-Finnish European, 0.4%; 6 homozygotes.

Submission:

CeGaT Center for Human Genetics Tuebingen
Classification: Likely benign. Last evaluated: 2023-07-01. Review status: criteria provided, single submitter. Criteria: CeGaT Center For Human Genetics Tuebingen Variant Classification Criteria Version 2. Collection method: clinical testing. Allele origin: germline. Affected: yes. Observed: 7 variant alleles.
Comment: TUBGCP2: BS2

NM_006659.4(TUBGCP2):c.1214+1176G>A

Gene: TUBGCP2 (tubulin gamma complex component 2; minus strand). Cytogenetic location: 10q26.3.
Variant type: single nucleotide variant.
Coding change: c.1214+1176G>A on transcript NM_006659.4 (MANE Select); 1176 bases into the intron after coding-DNA position 1214, G replaced by A.
Molecular consequence: intron variant.
Genome position (GRCh38, 1-based): chr10:133,291,323, C>T on the plus strand (G>A on the coding strand, the complement: TUBGCP2 is on the minus strand). VCF-style: chr10-133291323-C-T. GRCh37 (hg19) VCF-style: chr10-135104827-C-T.
Other names: c.824+1176G>A (NM_001256618.2); c.1298+1176G>A (NM_001256617.2).
Identifiers: ClinVar variation 2498474 (VCV002498474.28), dbSNP rs113035234, ClinGen allele CA216806435.